The following is an entry in ClinVar:

ClinVar aggregate classification (germline): Likely benign. Review status: criteria provided, multiple submitters, no conflicts (2 of 4 stars). 4 submissions from 4 submitters: Likely benign (3). 1 of the submissions does not count toward it. Last evaluated 2026-07-01.

Conditions:
CAMTA1-related disorder. Also called: CAMTA1-related condition.

Allele frequency attached by ClinVar (database versions not stated): ESP Exome Variant Server 0.00008; 1000 Genomes Project 30x 0.00016; ExAC 0.00016; TOPMed 0.00016; gnomAD 0.00019; 1000 Genomes Project 0.00020; gnomAD exomes 0.00028.
gnomAD v4.1: 420 of 1,613,916 alleles (0.026%); highest among the groups gnomAD compares: East Asian, 0.11%; no homozygotes.

Submissions (4):

CeGaT Center for Human Genetics Tuebingen
Classification: Likely benign. Last evaluated: 2026-07-01. Review status: criteria provided, single submitter. Criteria: CeGaT Center For Human Genetics Tuebingen Variant Classification Criteria Version 2. Collection method: clinical testing. Allele origin: germline. Affected: yes. Observed: 4 variant alleles.
Comment: CAMTA1: BP4, BP7, BS1

Labcorp Genetics (formerly Invitae), Labcorp
Classification: Likely benign. Last evaluated: 2024-10-06. Review status: criteria provided, single submitter. Criteria: Invitae Variant Classification Sherloc (09022015). Collection method: clinical testing. Allele origin: germline.

Blueprint Genetics
Classification: Likely benign. Last evaluated: 2024-04-11. Review status: criteria provided, single submitter. Criteria: ACMG Guidelines, 2015. Collection method: clinical testing. Allele origin: germline.

PreventionGenetics, part of Exact Sciences
Classification: Likely benign for CAMTA1-related condition. Last evaluated: 2019-08-01. Review status: no assertion criteria provided. Collection method: clinical testing. Allele origin: germline. Not counted in ClinVar's aggregate classification.
Comment: This variant is classified as likely benign based on ACMG/AMP sequence variant interpretation guidelines (Richards et al. 2015 PMID: 25741868, with internal and published modifications).

NM_015215.4(CAMTA1):c.1377C>T (p.Asn459=)

Gene: CAMTA1 (calmodulin binding transcription activator 1; plus strand). Cytogenetic location: 1p36.23.
Variant type: single nucleotide variant.
Coding change: c.1377C>T on transcript NM_015215.4 (MANE Select); coding-DNA position 1377, C replaced by T.
Protein change: p.Asn459=; no amino-acid change (asparagine 459 retained).
Molecular consequence: synonymous variant.
Genome position (GRCh38, 1-based): chr1:7,663,924, C>T. VCF-style: chr1-7663924-C-T. GRCh37 (hg19) VCF-style: chr1-7723984-C-T.
Other names: c.1287C>T, p.Asn429= (NM_001349608.2, NM_001349612.2); c.1377C>T, p.Asn459= (NM_001349609.2, NM_001349610.2, NM_001410737.1); c.1305C>T, p.Asn435= (NM_001410738.1); c.1377C>T (NM_015215.3).
Identifiers: ClinVar variation 2066865 (VCV002066865.30), dbSNP rs146944529, ClinGen allele CA566435.